The following is an entry in ClinVar:

NM_000214.3(JAG1):c.3557C>A (p.Pro1186His)

Gene: JAG1 (jagged canonical Notch ligand 1; minus strand). Cytogenetic location: 20p12.2.
Variant type: single nucleotide variant.
Coding change: c.3557C>A on transcript NM_000214.3 (MANE Select); coding-DNA position 3557, C replaced by A.
Protein change: p.Pro1186His; replaces proline 1186 with histidine.
Molecular consequence: missense variant.
Genome position (GRCh38, 1-based): chr20:10,639,598, G>T on the plus strand (C>A on the coding strand, the complement: JAG1 is on the minus strand). VCF-style: chr20-10639598-G-T. GRCh37 (hg19) VCF-style: chr20-10620246-G-T.
Other names: short protein forms P1186H.
Identifiers: ClinVar variation 3371992 (VCV003371992.1).

ClinVar aggregate classification (germline): Uncertain significance (1 of 4 stars; one submission).

Submission:

GeneDx
Classification: Uncertain significance. Last evaluated: 2024-04-01. Review status: criteria provided, single submitter. Criteria: GeneDx Variant Classification Process June 2021. Collection method: clinical testing. Allele origin: germline. Affected: yes.
Comment: Has not been previously published as pathogenic or benign to our knowledge; Not observed at significant frequency in large population cohorts (gnomAD); In silico analysis supports that this missense variant does not alter protein structure/function